The following is an entry in ClinVar:

ClinVar aggregate classification (germline): Uncertain significance. Review status: criteria provided, multiple submitters, no conflicts (2 of 4 stars). 3 submissions from 3 submitters: Uncertain significance (3). Last evaluated 2025-11-19.

Conditions:
Hereditary cancer-predisposing syndrome. Also called: Neoplastic Syndromes, Hereditary; Hereditary Cancer Syndrome; Tumor predisposition; Hereditary neoplastic syndrome. Identifiers: Orphanet 140162, MedGen C0027672, MeSH D009386, MONDO:0015356.

Allele frequency attached by ClinVar (database versions not stated): gnomAD exomes below 0.00001 and 0.00001; ExAC 0.00001; TOPMed 0.00001.
gnomAD v4.1: 5 of 1,614,100 alleles (0.00031%); highest among the groups gnomAD compares: East Asian, 0.0045%; no homozygotes.

Submissions (3):

Labcorp Genetics (formerly Invitae), Labcorp
Classification: Uncertain significance. Last evaluated: 2025-11-19. Review status: criteria provided, single submitter. Criteria: Invitae Variant Classification Sherloc (09022015). Collection method: clinical testing. Allele origin: germline.
Comment: This sequence change replaces arginine, which is basic and polar, with histidine, which is basic and polar, at codon 1059 of the POLE protein (p.Arg1059His). This variant is present in population databases (rs751425952, gnomAD 0.02%). This variant has not been reported in the literature in individuals affected with POLE-related conditions. ClinVar contains an entry for this variant (Variation ID: 970795). Invitae Evidence Modeling of protein sequence and biophysical properties (such as structural, functional, and spatial information, amino acid conservation, physicochemical variation, residue mobility, and thermodynamic stability) indicates that this missense variant is expected to disrupt POLE protein function with a positive predictive value of 80%. In summary, the available evidence is currently insufficient to determine the role of this variant in disease. Therefore, it has been classified as a Variant of Uncertain Significance.

Ambry Genetics
Classification: Uncertain significance for Hereditary cancer-predisposing syndrome. Last evaluated: 2024-12-16. Review status: criteria provided, single submitter. Criteria: Ambry Variant Classification Scheme 2023. Collection method: clinical testing. Allele origin: germline.
Comment: The p.R1059H variant (also known as c.3176G>A), located in coding exon 26 of the POLE gene, results from a G to A substitution at nucleotide position 3176. The arginine at codon 1059 is replaced by histidine, an amino acid with highly similar properties. This amino acid position is highly conserved in available vertebrate species. In addition, the in silico prediction for this alteration is inconclusive. Based on the available evidence, the clinical significance of this variant remains unclear.

GeneDx
Classification: Uncertain significance. Last evaluated: 2019-08-08. Review status: criteria provided, single submitter. Criteria: GeneDx Variant Classification Process June 2021. Collection method: clinical testing. Allele origin: germline. Affected: yes.
Comment: Not observed at a significant frequency in large population cohorts (Lek et al., 2016); In silico analysis, which includes protein predictors and evolutionary conservation, supports a deleterious effect; Has not been previously published as pathogenic or benign to our knowledge

NM_006231.4(POLE):c.3176G>A (p.Arg1059His)

Gene: POLE (DNA polymerase epsilon, catalytic subunit; minus strand). Cytogenetic location: 12q24.33.
Variant type: single nucleotide variant.
Coding change: c.3176G>A on transcript NM_006231.4 (MANE Select); coding-DNA position 3176, G replaced by A.
Protein change: p.Arg1059His; replaces arginine 1059 with histidine.
Molecular consequence: missense variant.
Genome position (GRCh38, 1-based): chr12:132,659,394, C>T on the plus strand (G>A on the coding strand, the complement: POLE is on the minus strand). VCF-style: chr12-132659394-C-T. GRCh37 (hg19) VCF-style: chr12-133235980-C-T.
Other names: short protein forms R1059H.
Identifiers: ClinVar variation 970795 (VCV000970795.10), dbSNP rs751425952, ClinGen allele CA6893344.
Genomic context (GRCh38, chr12:132,659,394, plus strand): 5'-ATGTAGCGGCAACTCAGCCCTGCATCCTTGACCATCTGGTCTCCCAGGAACTCGGCCAGG[C>T]GCTTTGCTGTGCTGATGGACGTAGACTTCTGCTCCCCGTAATCTTCCAGCTTCCGAGACA-3'
Protein context (NP_006222.2, residues 1049-1069): QKSTSISTAK[Arg1059His]LAEFLGDQMV